The following is an entry in ClinVar:

ClinVar aggregate classification (germline): Likely benign. Review status: criteria provided, multiple submitters, no conflicts (2 of 4 stars). 4 submissions from 4 submitters: Likely benign (4). Last evaluated 2025-06-12.

Conditions:
Malignant hyperthermia, susceptibility to, 5 (MHS5). Also called: CACNA1S-Related Malignant Hyperthermia Susceptibility. Identifiers: Orphanet 423, MedGen C1866077, MONDO:0011163, OMIM 601887.
Hypokalemic periodic paralysis, type 1. Also called: Hypokalemic Periodic Paralysis Type 1 (AD); HypoPP. Identifiers: Orphanet 681, MedGen C3714580, MONDO:0042979, OMIM 170400.

Allele frequency attached by ClinVar (database versions not stated): gnomAD 0.00001; gnomAD exomes 0.00001; ExAC 0.00002.
gnomAD v4.1: 38 of 1,606,560 alleles (0.0024%); highest among the groups gnomAD compares: Non-Finnish European, 0.0032%; no homozygotes.

Submissions (4):

Labcorp Genetics (formerly Invitae), Labcorp
Classification: Likely benign for Hypokalemic periodic paralysis, type 1; Malignant hyperthermia, susceptibility to, 5. Last evaluated: 2025-06-12. Review status: criteria provided, single submitter. Criteria: Invitae Variant Classification Sherloc (09022015). Collection method: clinical testing. Allele origin: germline.

Blueprint Genetics
Classification: Likely benign. Last evaluated: 2024-09-12. Review status: criteria provided, single submitter. Criteria: ACMG Guidelines, 2015. Collection method: clinical testing. Allele origin: germline.

All of Us Research Program, National Institutes of Health
Classification: Likely benign for Malignant hyperthermia, susceptibility to, 5. Last evaluated: 2023-12-13. Review status: criteria provided, single submitter. Criteria: ACMG Guidelines, 2015. Collection method: clinical testing. Allele origin: germline. Inheritance: Autosomal dominant inheritance. Observed: 2 variant alleles, 2 heterozygotes.
Comment: This study involves interpretation of variants in research participants for the purpose of population health screening. Participant phenotype was not available at the time of variant classification. Additional details can be found in publication PMID: 35346344, PMCID: PMC8962531

Color Diagnostics, LLC DBA Color Health
Classification: Likely benign for Malignant hyperthermia, susceptibility to, 5. Last evaluated: 2023-02-03. Review status: criteria provided, single submitter. Criteria: ACMG Guidelines, 2015. Collection method: clinical testing. Allele origin: germline.

NM_000069.3(CACNA1S):c.2158-14G>A

Gene: CACNA1S (calcium voltage-gated channel subunit alpha1 S; minus strand). Cytogenetic location: 1q32.1.
Variant type: single nucleotide variant.
Coding change: c.2158-14G>A on transcript NM_000069.3 (MANE Select); 14 bases into the intron before coding-DNA position 2158, G replaced by A.
Molecular consequence: intron variant.
Genome position (GRCh38, 1-based): chr1:201,072,838, C>T on the plus strand (G>A on the coding strand, the complement: CACNA1S is on the minus strand). VCF-style: chr1-201072838-C-T. GRCh37 (hg19) VCF-style: chr1-201041966-C-T.
Identifiers: ClinVar variation 1607631 (VCV001607631.11), dbSNP rs780867598, ClinGen allele CA078835.